The following is an entry in ClinVar:

ClinVar aggregate classification (germline): Uncertain significance (1 of 4 stars; one submission).

Conditions:
Hereditary cancer-predisposing syndrome. Also called: Hereditary neoplastic syndrome; Neoplastic Syndromes, Hereditary; Tumor predisposition; Hereditary Cancer Syndrome. Identifiers: Orphanet 140162, MedGen C0027672, MeSH D009386, MONDO:0015356.

Submission:

Ambry Genetics
Classification: Uncertain significance for Hereditary cancer-predisposing syndrome. Last evaluated: 2024-12-17. Review status: criteria provided, single submitter. Criteria: Ambry Variant Classification Scheme 2023. Collection method: clinical testing. Allele origin: germline.
Comment: The p.K348N variant (also known as c.1044G>C), located in coding exon 7 of the BRIP1 gene, results from a G to C substitution at nucleotide position 1044. The lysine at codon 348 is replaced by asparagine, an amino acid with similar properties. This amino acid position is conserved. In addition, this alteration is predicted to be tolerated by in silico analysis. Based on the available evidence, the clinical significance of this variant remains unclear.

NM_032043.3(BRIP1):c.1044G>C (p.Lys348Asn)

Gene: BRIP1 (BRCA1 interacting DNA helicase 1; minus strand). Cytogenetic location: 17q23.2.
Variant type: single nucleotide variant.
Coding change: c.1044G>C on transcript NM_032043.3 (MANE Select); coding-DNA position 1044, G replaced by C.
Protein change: p.Lys348Asn; replaces lysine 348 with asparagine.
Molecular consequence: missense variant.
Genome position (GRCh38, 1-based): chr17:61,801,349, C>G on the plus strand (G>C on the coding strand, the complement: BRIP1 is on the minus strand). VCF-style: chr17-61801349-C-G. GRCh37 (hg19) VCF-style: chr17-59878710-C-G.
Other names: short protein forms K348N.
Identifiers: ClinVar variation 3825668 (VCV003825668.1).